The following is an entry in ClinVar:

ClinVar aggregate classification (germline): Uncertain significance. Review status: criteria provided, multiple submitters, no conflicts (2 of 4 stars). 3 submissions from 3 submitters: Uncertain significance (3). Last evaluated 2025-09-15.

Conditions:
Inborn genetic diseases. Identifiers: MedGen C0950123, MeSH D030342.

Allele frequency attached by ClinVar (database versions not stated): gnomAD exomes 0.00007; gnomAD 0.00009; ExAC 0.00014.
gnomAD v4.1: 116 of 1,613,840 alleles (0.0072%); highest among the groups gnomAD compares: Admixed American, 0.08%; 1 homozygote.

Submissions (3):

Labcorp Genetics (formerly Invitae), Labcorp
Classification: Uncertain significance. Last evaluated: 2025-09-15. Review status: criteria provided, single submitter. Criteria: Invitae Variant Classification Sherloc (09022015). Collection method: clinical testing. Allele origin: germline.
Comment: This sequence change replaces isoleucine, which is neutral and non-polar, with threonine, which is neutral and polar, at codon 1160 of the WNK4 protein (p.Ile1160Thr). The frequency data for this variant in the population databases is considered unreliable, as metrics indicate poor data quality at this position in the gnomAD database. This variant has not been reported in the literature in individuals affected with WNK4-related conditions. ClinVar contains an entry for this variant (Variation ID: 2888156). Invitae Evidence Modeling of protein sequence and biophysical properties (such as structural, functional, and spatial information, amino acid conservation, physicochemical variation, residue mobility, and thermodynamic stability) indicates that this missense variant is not expected to disrupt WNK4 protein function with a negative predictive value of 95%. In summary, the available evidence is currently insufficient to determine the role of this variant in disease. Therefore, it has been classified as a Variant of Uncertain Significance.

Ambry Genetics
Classification: Uncertain significance for Inborn genetic diseases. Last evaluated: 2024-12-10. Review status: criteria provided, single submitter. Criteria: Ambry Variant Classification Scheme 2023. Collection method: clinical testing. Allele origin: germline.

Women's Health and Genetics/Laboratory Corporation of America, LabCorp
Classification: Uncertain significance. Last evaluated: 2024-09-16. Review status: criteria provided, single submitter. Criteria: LabCorp Variant Classification Summary - May 2015. Collection method: clinical testing. Allele origin: germline.
Comment: Variant summary: WNK4 c.3479T>C (p.Ile1160Thr) results in a non-conservative amino acid change in the encoded protein sequence. Five of five in-silico tools predict a damaging effect of the variant on protein function. The variant allele was found at a frequency of 0.00018 in 250922 control chromosomes. This frequency is not significantly higher than estimated for a pathogenic variant in WNK4 causing Pseudohypoaldosteronism Type 2B, allowing no conclusion about variant significance. To our knowledge, no occurrence of c.3479T>C in individuals affected with Pseudohypoaldosteronism Type 2B and no experimental evidence demonstrating its impact on protein function have been reported. ClinVar contains an entry for this variant (Variation ID: 2888156). Based on the evidence outlined above, the variant was classified as uncertain significance.

NM_032387.5(WNK4):c.3479T>C (p.Ile1160Thr)

Gene: WNK4 (WNK lysine deficient protein kinase 4; plus strand). Cytogenetic location: 17q21.2.
Variant type: single nucleotide variant.
Coding change: c.3479T>C on transcript NM_032387.5 (MANE Select); coding-DNA position 3479, T replaced by C.
Protein change: p.Ile1160Thr; replaces isoleucine 1160 with threonine.
Molecular consequence: missense variant.
Genome position (GRCh38, 1-based): chr17:42,796,170, T>C. VCF-style: chr17-42796170-T-C. GRCh37 (hg19) VCF-style: chr17-40948188-T-C.
Other names: c.3479T>C (NM_032387.4); c.2471T>C, p.Ile824Thr (NM_001321299.2); short protein forms I1160T, I824T.
Identifiers: ClinVar variation 2888156 (VCV002888156.5), dbSNP rs747683477, ClinGen allele CA8584608.